The following is an entry in ClinVar:

ClinVar aggregate classification (germline): Uncertain significance. Review status: criteria provided, multiple submitters, no conflicts (2 of 4 stars). 2 submissions from 2 submitters: Uncertain significance (2). Last evaluated 2023-02-02.

Conditions:
Long QT syndrome (LQTS). Identifiers: MedGen C0023976, MeSH D008133, MONDO:0002442. Disease mechanism: loss of function. Inheritance: Various modes of inheritance.

Submissions (2):

GeneDx
Classification: Uncertain significance. Last evaluated: 2023-02-02. Review status: criteria provided, single submitter. Criteria: GeneDx Variant Classification Process June 2021. Collection method: clinical testing. Allele origin: germline. Affected: yes.
Comment: Not observed at significant frequency in large population cohorts (gnomAD); In silico analysis supports that this missense variant has a deleterious effect on protein structure/function; Has not been previously published as pathogenic or benign to our knowledge

Labcorp Genetics (formerly Invitae), Labcorp
Classification: Uncertain significance for Long QT syndrome. Last evaluated: 2022-10-03. Review status: criteria provided, single submitter. Criteria: Invitae Variant Classification Sherloc (09022015). Collection method: clinical testing. Allele origin: germline.
Comment: This variant has not been reported in the literature in individuals affected with KCNH2-related conditions. In summary, the available evidence is currently insufficient to determine the role of this variant in disease. Therefore, it has been classified as a Variant of Uncertain Significance. Algorithms developed to predict the effect of missense changes on protein structure and function are either unavailable or do not agree on the potential impact of this missense change (SIFT: "Tolerated"; PolyPhen-2: "Probably Damaging"; Align-GVGD: "Class C0"). This variant is not present in population databases (gnomAD no frequency). This sequence change replaces leucine, which is neutral and non-polar, with valine, which is neutral and non-polar, at codon 776 of the KCNH2 protein (p.Leu776Val).

NM_000238.4(KCNH2):c.2326C>G (p.Leu776Val)

Gene: KCNH2 (potassium voltage-gated channel subfamily H member 2; minus strand). Cytogenetic location: 7q36.1.
Variant type: single nucleotide variant.
Coding change: c.2326C>G on transcript NM_000238.4 (MANE Select); coding-DNA position 2326, C replaced by G.
Protein change: p.Leu776Val; replaces leucine 776 with valine.
Molecular consequence: missense variant.
Genome position (GRCh38, 1-based): chr7:150,950,240, G>C on the plus strand (C>G on the coding strand, the complement: KCNH2 is on the minus strand). VCF-style: chr7-150950240-G-C. GRCh37 (hg19) VCF-style: chr7-150647328-G-C.
Other names: c.2326C>G (NM_000238.2); c.1306C>G, p.Leu436Val (NM_001204798.2, NM_172057.3); c.2038C>G, p.Leu680Val (NM_001406753.1, NM_001406756.1); c.2149C>G, p.Leu717Val (NM_001406755.1); c.2026C>G, p.Leu676Val (NM_001406757.1); c.2326C>G, p.Leu776Val (NM_172056.3); short protein forms L436V, L676V, L680V, L717V, L776V.
Identifiers: ClinVar variation 1720868 (VCV001720868.6), dbSNP rs771674303, ClinGen allele CA369856128.